The following is an entry in ClinVar:

NM_004859.4(CLTC):c.519+10_519+11insTTTTTTTTTTTTTTTTTTTTNNNNNNNNNNTTGTTCAGGTGTGTTCTATTGGGAGCTGGGTGTGGGAGTGGGTGACGGGAGAGGGAGAGGGAGACGGGAGAGGGAGAGGGAGACCTGCACAGGTAACATTTT

Gene: CLTC (clathrin heavy chain; plus strand). Cytogenetic location: 17q23.1.
Variant type: Insertion.
Coding change: c.519+10_519+11insTTTTTTTTTTTTTTTTTTTTNNNNNNNNNNTTGTTCAGGTGTGTTCTATTGGGAGCTGGGTGTGGGAGTGGGTGACGGGAGAGGGAGAGGGAGACGGGAGAGGGAGAGGGAGACCTGCACAGGTAACATTTT on transcript NM_004859.4 (MANE Select); bases 10 to 11 of the intron after coding-DNA position 519, TTTTTTTTTTTTTTTTTTTTNNNNNNNNNNTTGTTCAGGTGTGTTCTATTGGGAGCTGGGTGTGGGAGTGGGTGACGGGAGAGGGAGAGGGAGACGGGAGAGGGAGAGGGAGACCTGCACAGGTAACATTTT inserted.
Molecular consequence: splice donor variant.
Genome position: GRCh38: chr17:59,647,676-59,647,677. GRCh37 (hg19): chr17:57,725,037-57,725,038.
Other names: c.531+10_531+11insTTTTTTTTTTTTTTTTTTTTNNNNNNNNNNTTGTTCAGGTGTGTTCTATTGGGAGCTGGGTGTGGGAGTGGGTGACGGGAGAGGGAGAGGGAGACGGGAGAGGGAGAGGGAGACCTGCACAGGTAACATTTT (NM_001288653.2).
Identifiers: ClinVar variation 2089331 (VCV002089331.4), dbSNP rs2509361684.

ClinVar aggregate classification (germline): Uncertain significance (1 of 4 stars; one submission).

Submission:

Labcorp Genetics (formerly Invitae), Labcorp
Classification: Uncertain significance. Last evaluated: 2022-01-25. Review status: criteria provided, single submitter. Criteria: Invitae Variant Classification Sherloc (09022015). Collection method: clinical testing. Allele origin: germline.
Comment: Experimental studies and prediction algorithms are not available or were not evaluated, and the effect of this variant on mRNA splicing is currently unknown. In summary, the available evidence is currently insufficient to determine the role of this variant in disease. Therefore, it has been classified as a Variant of Uncertain Significance. This variant has not been reported in the literature in individuals affected with CLTC-related conditions. This variant is not present in population databases (gnomAD no frequency). This sequence change falls in intron 3 of the CLTC gene. It does not directly change the encoded amino acid sequence of the CLTC protein.